The following is an entry in ClinVar:

NM_001170629.2(CHD8):c.2662G>A (p.Val888Met)

Gene: CHD8 (chromodomain helicase DNA binding protein 8; minus strand). Cytogenetic location: 14q11.2.
Variant type: single nucleotide variant.
Coding change: c.2662G>A on transcript NM_001170629.2 (MANE Select); coding-DNA position 2662, G replaced by A.
Protein change: p.Val888Met; replaces valine 888 with methionine.
Molecular consequence: missense variant.
Genome position (GRCh38, 1-based): chr14:21,408,380, C>T on the plus strand (G>A on the coding strand, the complement: CHD8 is on the minus strand). VCF-style: chr14-21408380-C-T. GRCh37 (hg19) VCF-style: chr14-21876539-C-T.
Other names: c.1825G>A, p.Val609Met (NM_020920.4); short protein forms V609M, V888M.
Identifiers: ClinVar variation 4278532 (VCV004278532.1).

ClinVar aggregate classification (germline): Uncertain significance (1 of 4 stars; one submission).

gnomAD v4.1: 2 of 1,613,914 alleles (0.00012%); highest among the groups gnomAD compares: Admixed American, 0.0017%; no homozygotes.

Submission:

GeneDx
Classification: Uncertain significance. Last evaluated: 2025-04-04. Review status: criteria provided, single submitter. Criteria: GeneDx Variant Classification Process June 2021. Collection method: clinical testing. Allele origin: germline. Affected: yes.
Comment: Not observed at significant frequency in large population cohorts (gnomAD); In silico analysis supports that this missense variant has a deleterious effect on protein structure/function; Has not been previously published as pathogenic or benign to our knowledge